The following is an entry in ClinVar:

ClinVar aggregate classification (germline): Likely benign. Review status: criteria provided, multiple submitters, no conflicts (2 of 4 stars). 3 submissions from 3 submitters: Likely benign (3). Last evaluated 2025-02-10.

Allele frequency attached by ClinVar (database versions not stated): gnomAD exomes 0.00002; ExAC 0.00004; TOPMed 0.00009; gnomAD 0.00016; ESP Exome Variant Server 0.00023.
gnomAD v4.1: 79 of 1,613,442 alleles (0.0049%); highest among the groups gnomAD compares: African/African-American, 0.043%; 1 homozygote.

Submissions (3):

Labcorp Genetics (formerly Invitae), Labcorp
Classification: Likely benign. Last evaluated: 2025-02-10. Review status: criteria provided, single submitter. Criteria: Invitae Variant Classification Sherloc (09022015). Collection method: clinical testing. Allele origin: germline.

Blueprint Genetics
Classification: Likely benign. Last evaluated: 2024-04-05. Review status: criteria provided, single submitter. Criteria: ACMG Guidelines, 2015. Collection method: clinical testing. Allele origin: germline.

CeGaT Center for Human Genetics Tuebingen
Classification: Likely benign. Last evaluated: 2023-11-01. Review status: criteria provided, single submitter. Criteria: CeGaT Center For Human Genetics Tuebingen Variant Classification Criteria Version 2. Collection method: clinical testing. Allele origin: germline. Affected: yes. Observed: 1 variant allele.
Comment: SLC25A1: BP4, BP7

NM_005984.5(SLC25A1):c.540G>A (p.Thr180=)

Gene: SLC25A1 (solute carrier family 25 member 1; minus strand). Cytogenetic location: 22q11.21.
Variant type: single nucleotide variant.
Coding change: c.540G>A on transcript NM_005984.5 (MANE Select); coding-DNA position 540, G replaced by A.
Protein change: p.Thr180=; no amino-acid change (threonine 180 retained).
Molecular consequence: synonymous variant. On other transcripts: non-coding transcript variant (1).
Genome position (GRCh38, 1-based): chr22:19,176,937, C>T on the plus strand (G>A on the coding strand, the complement: SLC25A1 is on the minus strand). VCF-style: chr22-19176937-C-T. GRCh37 (hg19) VCF-style: chr22-19164450-C-T.
Other names: c.561G>A, p.Thr187= (NM_001256534.2); c.231G>A, p.Thr77= (NM_001287387.2).
Identifiers: ClinVar variation 754677 (VCV000754677.32), dbSNP rs143022471, ClinGen allele CA10097392.